The following is an entry in ClinVar:

NM_014915.3(ANKRD26):c.1096G>T (p.Gly366Cys)

Gene: ANKRD26 (ankyrin repeat domain 26; minus strand). Cytogenetic location: 10p12.1.
Variant type: single nucleotide variant.
Coding change: c.1096G>T on transcript NM_014915.3 (MANE Select); coding-DNA position 1096, G replaced by T.
Protein change: p.Gly366Cys; replaces glycine 366 with cysteine.
Molecular consequence: missense variant.
Genome position (GRCh38, 1-based): chr10:27,067,268, C>A on the plus strand (G>T on the coding strand, the complement: ANKRD26 is on the minus strand). VCF-style: chr10-27067268-C-A. GRCh37 (hg19) VCF-style: chr10-27356197-C-A.
Other names: c.1096G>T, p.Gly366Cys (NM_001256053.2); short protein forms G366C.
Identifiers: ClinVar variation 1906139 (VCV001906139.6), dbSNP rs371334112, ClinGen allele CA376360079.
Genomic context (GRCh38, chr10:27,067,268, plus strand): 5'-TTGTTTGCTCTAGTGGAGCACTTTCAATAATATCAATACCATTTTCTTTTTTTGCAATGC[C>A]TGGCTTTGTTGGTTCTTCCTATTAAAAACAAAAACAAACAAACAAAAAACTTCAGAAAAC-3'
Protein context (NP_055730.2, residues 356-376): GLMKEEPTKP[Gly366Cys]IAKKENGIDI

ClinVar aggregate classification (germline): Uncertain significance. Review status: criteria provided, multiple submitters, no conflicts (2 of 4 stars). 2 submissions from 2 submitters: Uncertain significance (2). Last evaluated 2023-11-09.

Allele frequency attached by ClinVar (database versions not stated): gnomAD exomes below 0.00001.
gnomAD v4.1: 1 of 1,613,296 alleles (0.000062%); highest among the groups gnomAD compares: Non-Finnish European, 0.000085%; no homozygotes.

Submissions (2):

Blueprint Genetics
Classification: Uncertain significance. Last evaluated: 2023-11-09. Review status: criteria provided, single submitter. Criteria: ACMG Guidelines, 2015. Collection method: clinical testing. Allele origin: germline.

Labcorp Genetics (formerly Invitae), Labcorp
Classification: Uncertain significance. Last evaluated: 2022-09-14. Review status: criteria provided, single submitter. Criteria: Invitae Variant Classification Sherloc (09022015). Collection method: clinical testing. Allele origin: germline.
Comment: In summary, the available evidence is currently insufficient to determine the role of this variant in disease. Therefore, it has been classified as a Variant of Uncertain Significance. Algorithms developed to predict the effect of missense changes on protein structure and function (SIFT, PolyPhen-2, Align-GVGD) all suggest that this variant is likely to be tolerated. This variant has not been reported in the literature in individuals affected with ANKRD26-related conditions. This variant is not present in population databases (gnomAD no frequency). This sequence change replaces glycine, which is neutral and non-polar, with cysteine, which is neutral and slightly polar, at codon 366 of the ANKRD26 protein (p.Gly366Cys).